The following is an entry in ClinVar:

ClinVar aggregate classification (germline): Uncertain significance (1 of 4 stars; one submission).

Conditions:
Giant axonal neuropathy 1 (GAN1). Also called: GAN-Related Neurodegeneration; GIANT AXONAL NEUROPATHY 1, AUTOSOMAL RECESSIVE. Identifiers: Orphanet 643, MedGen C1850386, MONDO:0009749, OMIM 256850.

Allele frequency attached by ClinVar (database versions not stated): gnomAD exomes below 0.00001; TOPMed 0.00001.
gnomAD v4.1: 6 of 1,611,692 alleles (0.00037%); highest among the groups gnomAD compares: African/African-American, 0.0013%; no homozygotes.

Submission:

Labcorp Genetics (formerly Invitae), Labcorp
Classification: Uncertain significance for Giant axonal neuropathy 1. Last evaluated: 2023-11-27. Review status: criteria provided, single submitter. Criteria: Invitae Variant Classification Sherloc (09022015). Collection method: clinical testing. Allele origin: germline.
Comment: This sequence change replaces isoleucine, which is neutral and non-polar, with valine, which is neutral and non-polar, at codon 102 of the GAN protein (p.Ile102Val). This variant is not present in population databases (gnomAD no frequency). This variant has not been reported in the literature in individuals affected with GAN-related conditions. ClinVar contains an entry for this variant (Variation ID: 835533). Advanced modeling of protein sequence and biophysical properties (such as structural, functional, and spatial information, amino acid conservation, physicochemical variation, residue mobility, and thermodynamic stability) performed at Invitae indicates that this missense variant is not expected to disrupt GAN protein function with a negative predictive value of 80%. In summary, the available evidence is currently insufficient to determine the role of this variant in disease. Therefore, it has been classified as a Variant of Uncertain Significance.

NM_022041.4(GAN):c.304A>G (p.Ile102Val)

Gene: GAN (gigaxonin; plus strand). Cytogenetic location: 16q23.2.
Variant type: single nucleotide variant.
Coding change: c.304A>G on transcript NM_022041.4 (MANE Select); coding-DNA position 304, A replaced by G.
Protein change: p.Ile102Val; replaces isoleucine 102 with valine.
Molecular consequence: missense variant. On other transcripts: 5 prime UTR variant (1).
Genome position (GRCh38, 1-based): chr16:81,354,426, A>G. VCF-style: chr16-81354426-A-G. GRCh37 (hg19) VCF-style: chr16-81388031-A-G.
Other names: c.-336A>G (NM_001377486.1); short protein forms I102V.
Identifiers: ClinVar variation 835533 (VCV000835533.9), dbSNP rs779968294, ClinGen allele CA396867222.